The following is an entry in ClinVar:

NM_033409.4(SLC52A3):c.983C>T (p.Ser328Phe)

Gene: SLC52A3 (solute carrier family 52 member 3; minus strand). Cytogenetic location: 20p13.
Variant type: single nucleotide variant.
Coding change: c.983C>T on transcript NM_033409.4 (MANE Select); coding-DNA position 983, C replaced by T.
Protein change: p.Ser328Phe; replaces serine 328 with phenylalanine.
Molecular consequence: missense variant.
Genome position (GRCh38, 1-based): chr20:763,588, G>A on the plus strand (C>T on the coding strand, the complement: SLC52A3 is on the minus strand). VCF-style: chr20-763588-G-A. GRCh37 (hg19) VCF-style: chr20-744232-G-A.
Other names: c.983C>T, p.Ser328Phe (NM_001370085.1, NM_001370086.1); short protein forms S328F.
Identifiers: ClinVar variation 1305596 (VCV001305596.3), dbSNP rs2122516303, ClinGen allele CA407962694.

ClinVar aggregate classification (germline): Uncertain significance (1 of 4 stars; one submission).

Submission:

GeneDx
Classification: Uncertain significance. Last evaluated: 2025-09-30. Review status: criteria provided, single submitter. Criteria: GeneDx Variant Classification Process June 2021. Collection method: clinical testing. Allele origin: germline. Affected: yes.
Comment: Not observed at significant frequency in large population cohorts (gnomAD); In silico analysis supports that this missense variant has a deleterious effect on protein structure/function; Has not been previously published as pathogenic or benign to our knowledge